The following is an entry in ClinVar:

ClinVar aggregate classification (germline): Likely pathogenic (1 of 4 stars; one submission).

Conditions:
Nemaline myopathy 2 (NEM2). Also called: Nemaline myopathy 2, autosomal recessive. Identifiers: MedGen C1850569, MONDO:0009725, OMIM 256030.

gnomAD v4.1: 7 of 1,601,598 alleles (0.00044%); highest among the groups gnomAD compares: Non-Finnish European, 0.0006%; no homozygotes.

Submission:

Natera, Inc.
Classification: Likely pathogenic for Nemaline myopathy type 2. Last evaluated: 2024-11-06. Review status: criteria provided, single submitter. Criteria: Natera Variant Classification Schema (03/2026). Collection method: clinical testing. Allele origin: germline.
Comment: The c.24684+2T>A variant in NEB is a canonical splice donor site variant predicted to affect pre-mRNA splicing, which may result in an abnormal transcript and altered protein product. This variant is expected to result in nonsense mediated decay, truncation, or a dysfunctional protein product. This variant is rare in the general population with a frequency below the threshold expected for the associated phenotype(s). Given the available evidence, this variant is classified as Likely Pathogenic.

NM_001164508.2(NEB):c.24579+2T>A

Genes: NEB (nebulin; minus strand), RIF1 (replication timing regulatory factor 1; plus strand). Cytogenetic location: 2q23.3.
Variant type: single nucleotide variant.
Coding change: c.24579+2T>A on transcript NM_001164508.2 (MANE Select); the canonical splice donor site of the intron after coding-DNA position 24579, T replaced by A.
Molecular consequence: splice donor variant.
Genome position (GRCh38, 1-based): chr2:151,494,159, A>T on the plus strand (T>A on the coding strand, the complement: NEB is on the minus strand). VCF-style: chr2-151494159-A-T. GRCh37 (hg19) VCF-style: chr2-152350673-A-T.
Other names: c.19011+2T>A (NM_004543.5); c.24579+2T>A (NM_001164507.2); c.24684+2T>A (NM_001271208.2).
Identifiers: ClinVar variation 4814766 (VCV004814766.1).